The following is an entry in ClinVar:

ClinVar aggregate classification (germline): Uncertain significance (1 of 4 stars; one submission).

Submission:

GeneDx
Classification: Uncertain significance. Last evaluated: 2024-07-15. Review status: criteria provided, single submitter. Criteria: GeneDx Variant Classification Process June 2021. Collection method: clinical testing. Allele origin: germline. Affected: yes.
Comment: Not observed at significant frequency in large population cohorts (gnomAD); In silico analysis supports that this missense variant has a deleterious effect on protein structure/function; Has not been previously published as pathogenic or benign to our knowledge

NM_004415.4(DSP):c.7376A>T (p.Asn2459Ile)

Gene: DSP (desmoplakin; plus strand). Cytogenetic location: 6p24.3.
Variant type: single nucleotide variant.
Coding change: c.7376A>T on transcript NM_004415.4 (MANE Select); coding-DNA position 7376, A replaced by T.
Protein change: p.Asn2459Ile; replaces asparagine 2459 with isoleucine.
Molecular consequence: missense variant.
Genome position (GRCh38, 1-based): chr6:7,584,638, A>T. VCF-style: chr6-7584638-A-T. GRCh37 (hg19) VCF-style: chr6-7584871-A-T.
Other names: c.5579A>T, p.Asn1860Ile (NM_001008844.3); c.6047A>T, p.Asn2016Ile (NM_001319034.2); short protein forms N1860I, N2016I, N2459I.
Identifiers: ClinVar variation 3573765 (VCV003573765.1).